The following is an entry in ClinVar:

NM_007348.4(ATF6):c.1714C>T (p.Arg572Ter)

Gene: ATF6 (activating transcription factor 6; plus strand). Cytogenetic location: 1q23.3.
Variant type: single nucleotide variant.
Coding change: c.1714C>T on transcript NM_007348.4 (MANE Select); coding-DNA position 1714, C replaced by T.
Protein change: p.Arg572Ter; replaces arginine 572 with a stop codon.
Molecular consequence: nonsense.
Genome position (GRCh38, 1-based): chr1:161,863,307, C>T. VCF-style: chr1-161863307-C-T. GRCh37 (hg19) VCF-style: chr1-161833097-C-T.
Other names: c.1711C>T, p.Arg571Ter (NM_001410890.1); short protein forms R572*, R571*.
Identifiers: ClinVar variation 2959328 (VCV002959328.3), dbSNP rs760001414, ClinGen allele CA31732621.

ClinVar aggregate classification (germline): Pathogenic (1 of 4 stars; one submission).

gnomAD v4.1: 5 of 1,602,908 alleles (0.00031%); highest among the groups gnomAD compares: Non-Finnish European, 0.00034%; no homozygotes.

Submission:

Labcorp Genetics (formerly Invitae), Labcorp
Classification: Pathogenic. Last evaluated: 2024-08-23. Review status: criteria provided, single submitter. Criteria: Invitae Variant Classification Sherloc (09022015). Collection method: clinical testing. Allele origin: germline.
Comment: This sequence change creates a premature translational stop signal (p.Arg572*) in the ATF6 gene. It is expected to result in an absent or disrupted protein product. Loss-of-function variants in ATF6 are known to be pathogenic (PMID: 26029869, 26063662, 26070061). This variant is not present in population databases (gnomAD no frequency). This premature translational stop signal has been observed in individual(s) with ATF6-related conditions (PMID: 36648511). For these reasons, this variant has been classified as Pathogenic.

Literature cited by the submitters: PubMed 26029869; PubMed 26063662; PubMed 26070061; PubMed 36648511.